The following is an entry in ClinVar:

NM_001694.4(ATP6V0C):c.158T>G (p.Met53Arg)

Gene: ATP6V0C (ATPase H+ transporting V0 subunit c; plus strand). Cytogenetic location: 16p13.3.
Variant type: single nucleotide variant.
Coding change: c.158T>G on transcript NM_001694.4 (MANE Select); coding-DNA position 158, T replaced by G.
Protein change: p.Met53Arg; replaces methionine 53 with arginine.
Molecular consequence: missense variant.
Genome position (GRCh38, 1-based): chr16:2,519,296, T>G. VCF-style: chr16-2519296-T-G. GRCh37 (hg19) VCF-style: chr16-2569297-T-G.
Other names: c.158T>G, p.Met53Arg (NM_001198569.2); short protein forms M53R.
Identifiers: ClinVar variation 3340928 (VCV003340928.1).

ClinVar aggregate classification (germline): Likely pathogenic (1 of 4 stars; one submission).

Submission:

GeneDx
Classification: Likely pathogenic. Last evaluated: 2022-11-04. Review status: criteria provided, single submitter. Criteria: GeneDx Variant Classification Process June 2021. Collection method: clinical testing. Allele origin: germline. Affected: yes.
Comment: Not observed at significant frequency in large population cohorts (gnomAD); In silico analysis supports that this missense variant has a deleterious effect on protein structure/function; This variant is associated with the following publications: (PMID: 36074901)